The following is an entry in ClinVar:

NM_006206.6(PDGFRA):c.756A>G (p.Glu252=)

Gene: PDGFRA (platelet derived growth factor receptor alpha; plus strand). Cytogenetic location: 4q12.
Variant type: single nucleotide variant.
Coding change: c.756A>G on transcript NM_006206.6 (MANE Select); coding-DNA position 756, A replaced by G.
Protein change: p.Glu252=; no amino-acid change (glutamic acid 252 retained).
Molecular consequence: synonymous variant.
Genome position (GRCh38, 1-based): chr4:54,265,046, A>G. VCF-style: chr4-54265046-A-G. GRCh37 (hg19) VCF-style: chr4-55131213-A-G.
Other names: c.756A>G, p.Glu252= (NM_001347827.2, NM_001347829.2); c.831A>G, p.Glu277= (NM_001347828.2); c.795A>G, p.Glu265= (NM_001347830.2).
Identifiers: ClinVar variation 2837712 (VCV002837712.3), dbSNP rs2475444983, ClinGen allele CA439285947.
Genomic context (GRCh38, chr4:54,265,046, plus strand): 5'-GGTCACCTGTGCTGTTTTTAACAATGAGGTGGTTGACCTTCAATGGACTTACCCTGGAGA[A>G]GTGGTAGGTACCCTCAAAACGTGCAATGGCTTGGAGCAGAGCAACAGGGCTCAGAAGACC-3'
Protein context (NP_006197.1, residues 242-262): VVDLQWTYPG[Glu252=]VKGKGITMLE

ClinVar aggregate classification (germline): Uncertain significance (1 of 4 stars; one submission).

Conditions:
Gastrointestinal stromal tumor. Also called: Gastrointestinal stromal tumor, somatic; Gastrointestinal stroma tumor. Identifiers: Orphanet 44890, MedGen C0238198, MeSH D046152, MONDO:0011719, OMIM 606764, HP:0100723.

Submission:

Labcorp Genetics (formerly Invitae), Labcorp
Classification: Uncertain significance for Gastrointestinal stromal tumor. Last evaluated: 2023-02-15. Review status: criteria provided, single submitter. Criteria: Invitae Variant Classification Sherloc (09022015). Collection method: clinical testing. Allele origin: germline.
Comment: In summary, the available evidence is currently insufficient to determine the role of this variant in disease. Therefore, it has been classified as a Variant of Uncertain Significance. Algorithms developed to predict the effect of sequence changes on RNA splicing suggest that this variant may disrupt the consensus splice site. This variant has not been reported in the literature in individuals affected with PDGFRA-related conditions. This variant is not present in population databases (gnomAD no frequency). This sequence change affects codon 252 of the PDGFRA mRNA. It is a 'silent' change, meaning that it does not change the encoded amino acid sequence of the PDGFRA protein.